The following is an entry in ClinVar:

ClinVar aggregate classification (germline): Likely benign. Review status: criteria provided, multiple submitters, no conflicts (2 of 4 stars). 2 submissions from 2 submitters: Likely benign (2). Last evaluated 2025-04-15.

Allele frequency attached by ClinVar (database versions not stated): gnomAD 0.00001; TOPMed 0.00001.
gnomAD v4.1: 9 of 1,613,666 alleles (0.00056%); highest among the groups gnomAD compares: African/African-American, 0.0013%; no homozygotes.

Submissions (2):

Mayo Clinic Laboratories, Mayo Clinic
Classification: Likely benign. Last evaluated: 2025-04-15. Review status: criteria provided, single submitter. Criteria: ACMG Guidelines, 2015. Collection method: clinical testing. Allele origin: germline. Observed: 1 variant allele.
Comment: BP4, BP7

Labcorp Genetics (formerly Invitae), Labcorp
Classification: Likely benign. Last evaluated: 2022-12-31. Review status: criteria provided, single submitter. Criteria: Invitae Variant Classification Sherloc (09022015). Collection method: clinical testing. Allele origin: germline.

NM_005876.5(SPEG):c.4148-5C>A

Gene: SPEG (striated muscle enriched protein kinase; plus strand). Cytogenetic location: 2q35.
Variant type: single nucleotide variant.
Coding change: c.4148-5C>A on transcript NM_005876.5 (MANE Select); 5 bases into the intron before coding-DNA position 4148, C replaced by A.
Molecular consequence: intron variant.
Genome position (GRCh38, 1-based): chr2:219,473,499, C>A. VCF-style: chr2-219473499-C-A. GRCh37 (hg19) VCF-style: chr2-220338221-C-A.
Other names: p.?.
Identifiers: ClinVar variation 2907948 (VCV002907948.4), dbSNP rs747861120, ClinGen allele CA764974920.